The following is an entry in ClinVar:

NM_001291415.2(KDM6A):c.2579A>G (p.His860Arg)

Gene: KDM6A (lysine demethylase 6A; plus strand). Cytogenetic location: Xp11.3.
Variant type: single nucleotide variant.
Coding change: c.2579A>G on transcript NM_001291415.2 (MANE Select); coding-DNA position 2579, A replaced by G.
Protein change: p.His860Arg; replaces histidine 860 with arginine.
Molecular consequence: missense variant. On other transcripts: non-coding transcript variant (1).
Genome position (GRCh38, 1-based): chrX:45,070,078, A>G. VCF-style: chrX-45070078-A-G. GRCh37 (hg19) VCF-style: chrX-44929323-A-G.
Other names: c.2444A>G, p.His815Arg (NM_001291416.2); c.2288A>G, p.His763Arg (NM_001291417.2); c.2186A>G, p.His729Arg (NM_001291418.2); c.1535A>G, p.His512Arg (NM_001291421.2); c.2423A>G, p.His808Arg (NM_021140.4); short protein forms H512R, H729R, H763R, H808R, H815R, H860R.
Identifiers: ClinVar variation 1343890 (VCV001343890.5), dbSNP rs2044749099, ClinGen allele CA412794938.

ClinVar aggregate classification (germline): Uncertain significance. Review status: criteria provided, multiple submitters, no conflicts (2 of 4 stars). 2 submissions from 2 submitters: Uncertain significance (2). Last evaluated 2025-09-15.

Conditions:
Kabuki syndrome 2 (KABUK2). Also called: KDM6A-Related Kabuki Syndrome. Identifiers: Orphanet 2322, MedGen C3275495, MONDO:0010465, OMIM 300867.

Allele frequency attached by ClinVar (database versions not stated): gnomAD exomes below 0.00001.
gnomAD v4.1: 2 of 1,211,888 alleles (0.00017%); highest among the groups gnomAD compares: Middle Eastern, 0.023%; no homozygotes.

Submissions (2):

Labcorp Genetics (formerly Invitae), Labcorp
Classification: Uncertain significance for Kabuki syndrome 2. Last evaluated: 2025-09-15. Review status: criteria provided, single submitter. Criteria: Invitae Variant Classification Sherloc (09022015). Collection method: clinical testing. Allele origin: germline.
Comment: This sequence change replaces histidine, which is basic and polar, with arginine, which is basic and polar, at codon 808 of the KDM6A protein (p.His808Arg). This variant is not present in population databases (gnomAD no frequency). This variant has not been reported in the literature in individuals affected with KDM6A-related conditions. ClinVar contains an entry for this variant (Variation ID: 1343890). Invitae Evidence Modeling of protein sequence and biophysical properties (such as structural, functional, and spatial information, amino acid conservation, physicochemical variation, residue mobility, and thermodynamic stability) indicates that this missense variant is not expected to disrupt KDM6A protein function with a negative predictive value of 80%. In summary, the available evidence is currently insufficient to determine the role of this variant in disease. Therefore, it has been classified as a Variant of Uncertain Significance.

GeneDx
Classification: Uncertain significance. Last evaluated: 2021-09-14. Review status: criteria provided, single submitter. Criteria: GeneDx Variant Classification Process June 2021. Collection method: clinical testing. Allele origin: germline. Affected: yes.
Comment: Not observed at significant frequency in large population cohorts (gnomAD); In silico analysis supports that this missense variant has a deleterious effect on protein structure/function; Has not been previously published as pathogenic or benign to our knowledge